The following is an entry in ClinVar:

ClinVar aggregate classification (germline): Uncertain significance. Review status: criteria provided, multiple submitters, no conflicts (2 of 4 stars). 2 submissions from 2 submitters: Uncertain significance (2). Last evaluated 2025-04-13.

Conditions:
Kabuki syndrome. Also called: Kabuki make-up syndrome; NIIKAWA-KUROKI SYNDROME. Identifiers: Orphanet 2322, MedGen C0796004, MONDO:0016512.
KMT2D-related disorder. Also called: KMT2D-Related Disorders.

Allele frequency attached by ClinVar (database versions not stated): gnomAD exomes below 0.00001; ExAC 0.00001; TOPMed 0.00001; gnomAD 0.00002.
gnomAD v4.1: 8 of 1,559,492 alleles (0.00051%); highest among the groups gnomAD compares: African/African-American, 0.011%; no homozygotes.

Submissions (2):

Labcorp Genetics (formerly Invitae), Labcorp
Classification: Uncertain significance for Kabuki syndrome. Last evaluated: 2025-04-13. Review status: criteria provided, single submitter. Criteria: Invitae Variant Classification Sherloc (09022015). Collection method: clinical testing. Allele origin: germline.
Comment: This sequence change replaces glutamine, which is neutral and polar, with histidine, which is basic and polar, at codon 2445 of the KMT2D protein (p.Gln2445His). This variant is not present in population databases (gnomAD no frequency). This variant has not been reported in the literature in individuals affected with KMT2D-related conditions. ClinVar contains an entry for this variant (Variation ID: 1984399). Invitae Evidence Modeling of protein sequence and biophysical properties (such as structural, functional, and spatial information, amino acid conservation, physicochemical variation, residue mobility, and thermodynamic stability) indicates that this missense variant is not expected to disrupt KMT2D protein function with a negative predictive value of 95%. In summary, the available evidence is currently insufficient to determine the role of this variant in disease. Therefore, it has been classified as a Variant of Uncertain Significance.

PreventionGenetics, part of Exact Sciences
Classification: Uncertain significance for KMT2D-related condition. Last evaluated: 2025-02-03. Review status: criteria provided, single submitter. Criteria: ACMG Guidelines, 2015. Collection method: clinical testing. Allele origin: germline.
Comment: The KMT2D c.7335G>C variant is predicted to result in the amino acid substitution p.Gln2445His. To our knowledge, this variant has not been reported in the literature. This variant is reported in 0.01% of alleles in individuals of African descent in gnomAD. At this time, the clinical significance of this variant is uncertain due to the absence of conclusive functional and genetic evidence.

NM_003482.4(KMT2D):c.7335G>C (p.Gln2445His)

Gene: KMT2D (lysine methyltransferase 2D; minus strand). Cytogenetic location: 12q13.12.
Variant type: single nucleotide variant.
Coding change: c.7335G>C on transcript NM_003482.4 (MANE Select); coding-DNA position 7335, G replaced by C.
Protein change: p.Gln2445His; replaces glutamine 2445 with histidine.
Molecular consequence: missense variant.
Genome position (GRCh38, 1-based): chr12:49,040,435, C>G on the plus strand (G>C on the coding strand, the complement: KMT2D is on the minus strand). VCF-style: chr12-49040435-C-G. GRCh37 (hg19) VCF-style: chr12-49434218-C-G.
Other names: short protein forms Q2445H.
Identifiers: ClinVar variation 1984399 (VCV001984399.5), dbSNP rs756686251, ClinGen allele CA6547087.